The following is an entry in ClinVar:

ClinVar aggregate classification (germline): Pathogenic (1 of 4 stars; one submission).

Conditions:
Malignant tumor of breast. Also called: Malignant breast neoplasm; Cancer breast. Identifiers: MedGen C0006142, MONDO:0007254. Disease mechanism: loss of function.

Submission:

King Laboratory, University of Washington
Classification: Pathogenic for breast cancer. Last evaluated: 2020-09-01. Review status: criteria provided, single submitter. Criteria: ACMG Guidelines, 2015. Collection method: case-control. Allele origin: germline. Inheritance: Autosomal dominant inheritance. Affected: yes.
Comment: Walsh T, Gulsuner S, Lee MK, Troester MA, Olshan AF, Earp HS, Perou CM, King M-C. Inherited predisposition to breast cancer in the Carolina Breast Cancer Study. NPJ Breast Cancer, accepted

NG_008150.2:g.14927_51132dup

Gene: CHEK2 (checkpoint kinase 2; minus strand). Cytogenetic location: 22q12.1.
Variant type: Duplication.
Identifiers: ClinVar variation 986728 (VCV000986728.4).